The following is an entry in ClinVar:

ClinVar aggregate classification (germline): Uncertain significance (1 of 4 stars; one submission).

Conditions:
Familial thoracic aortic aneurysm and aortic dissection (TAAD). Also called: Thoracic aortic aneurysms and dissections. Identifiers: Orphanet 91387, MedGen C4707243, MONDO:0019625.

Allele frequency attached by ClinVar (database versions not stated): gnomAD exomes below 0.00001.
gnomAD v4.1: 2 of 1,591,792 alleles (0.00013%); no homozygotes.

Submission:

Labcorp Genetics (formerly Invitae), Labcorp
Classification: Uncertain significance for Familial thoracic aortic aneurysm and aortic dissection. Last evaluated: 2023-12-19. Review status: criteria provided, single submitter. Criteria: Invitae Variant Classification Sherloc (09022015). Collection method: clinical testing. Allele origin: germline.
Comment: This sequence change replaces methionine, which is neutral and non-polar, with valine, which is neutral and non-polar, at codon 200 of the SMAD3 protein (p.Met200Val). This variant is not present in population databases (gnomAD no frequency). This variant has not been reported in the literature in individuals affected with SMAD3-related conditions. Advanced modeling of protein sequence and biophysical properties (such as structural, functional, and spatial information, amino acid conservation, physicochemical variation, residue mobility, and thermodynamic stability) performed at Invitae indicates that this missense variant is not expected to disrupt SMAD3 protein function with a negative predictive value of 80%. In summary, the available evidence is currently insufficient to determine the role of this variant in disease. Therefore, it has been classified as a Variant of Uncertain Significance.

NM_005902.4(SMAD3):c.598A>G (p.Met200Val)

Gene: SMAD3 (SMAD family member 3; plus strand). Cytogenetic location: 15q22.33.
Variant type: single nucleotide variant.
Coding change: c.598A>G on transcript NM_005902.4 (MANE Select); coding-DNA position 598, A replaced by G.
Protein change: p.Met200Val; replaces methionine 200 with valine.
Molecular consequence: missense variant.
Genome position (GRCh38, 1-based): chr15:67,166,844, A>G. VCF-style: chr15-67166844-A-G. GRCh37 (hg19) VCF-style: chr15-67459182-A-G.
Other names: c.283A>G, p.Met95Val (NM_001145102.2, NM_001407016.1); c.466A>G, p.Met156Val (NM_001145103.2, NM_001407012.1); c.13A>G, p.Met5Val (NM_001145104.2, NM_001407017.1); c.598A>G, p.Met200Val (NM_001407011.1, NM_001407013.1); c.451A>G, p.Met151Val (NM_001407014.1); c.151A>G, p.Met51Val (NM_001407015.1); short protein forms M156V, M200V, M151V, M51V, M95V, M5V.
Identifiers: ClinVar variation 2981117 (VCV002981117.3), dbSNP rs2505223155, ClinGen allele CA392954844.
Genomic context (GRCh38, chr15:67,166,844, plus strand): 5'-CCACCCCCTGGCTACCTGAGTGAAGATGGAGAAACCAGTGACCACCAGATGAACCACAGC[A>G]TGGACGCAGGTCAGTCATGCAGGGTCATGCTCTTATTCTTAACTGATTAGCAGCTGGTGG-3'
Protein context (NP_005893.1, residues 190-210): ETSDHQMNHS[Met200Val]DAGSPNLSPN